The following is an entry in ClinVar:

NM_015213.4(DENND5A):c.1567C>T (p.Arg523Cys)

Gene: DENND5A (DENN domain containing 5A; minus strand). Cytogenetic location: 11p15.4.
Variant type: single nucleotide variant.
Coding change: c.1567C>T on transcript NM_015213.4 (MANE Select); coding-DNA position 1567, C replaced by T.
Protein change: p.Arg523Cys; replaces arginine 523 with cysteine.
Molecular consequence: missense variant. On other transcripts: non-coding transcript variant (1).
Genome position (GRCh38, 1-based): chr11:9,178,962, G>A on the plus strand (C>T on the coding strand, the complement: DENND5A is on the minus strand). VCF-style: chr11-9178962-G-A. GRCh37 (hg19) VCF-style: chr11-9200509-G-A.
Other names: c.1567C>T (NM_015213.3); c.1567C>T, p.Arg523Cys (NM_001243254.2); c.1495C>T, p.Arg499Cys (NM_001348749.2); c.1279C>T, p.Arg427Cys (NM_001348750.2); short protein forms R427C, R499C, R523C.
Identifiers: ClinVar variation 1675449 (VCV001675449.37), dbSNP rs201977017, ClinGen allele CA5877563.

ClinVar aggregate classification (germline): Uncertain significance. Review status: criteria provided, multiple submitters, no conflicts (2 of 4 stars). 4 submissions from 4 submitters: Uncertain significance (4). Last evaluated 2025-05-23.

Conditions:
Inborn genetic diseases. Identifiers: MedGen C0950123, MeSH D030342.

Allele frequency attached by ClinVar (database versions not stated): ExAC 0.00002; gnomAD exomes 0.00004; TOPMed 0.00006; ESP Exome Variant Server 0.00008; gnomAD 0.00009.
gnomAD v4.1: 104 of 1,613,968 alleles (0.0064%); highest among the groups gnomAD compares: South Asian, 0.0055%; no homozygotes.

Submissions (4):

Ambry Genetics
Classification: Uncertain significance for Inborn genetic diseases. Last evaluated: 2025-05-23. Review status: criteria provided, single submitter. Criteria: Ambry Variant Classification Scheme 2023. Collection method: clinical testing. Allele origin: germline.

Labcorp Genetics (formerly Invitae), Labcorp
Classification: Uncertain significance. Last evaluated: 2023-12-07. Review status: criteria provided, single submitter. Criteria: Invitae Variant Classification Sherloc (09022015). Collection method: clinical testing. Allele origin: germline.
Comment: This sequence change replaces arginine, which is basic and polar, with cysteine, which is neutral and slightly polar, at codon 523 of the DENND5A protein (p.Arg523Cys). This variant is present in population databases (rs201977017, gnomAD 0.06%). This variant has not been reported in the literature in individuals affected with DENND5A-related conditions. ClinVar contains an entry for this variant (Variation ID: 1675449). Advanced modeling of protein sequence and biophysical properties (such as structural, functional, and spatial information, amino acid conservation, physicochemical variation, residue mobility, and thermodynamic stability) performed at Invitae indicates that this missense variant is not expected to disrupt DENND5A protein function with a negative predictive value of 80%. In summary, the available evidence is currently insufficient to determine the role of this variant in disease. Therefore, it has been classified as a Variant of Uncertain Significance.

CeGaT Center for Human Genetics Tuebingen
Classification: Uncertain significance. Last evaluated: 2022-01-01. Review status: criteria provided, single submitter. Criteria: CeGaT Center For Human Genetics Tuebingen Variant Classification Criteria Version 2. Collection method: clinical testing. Allele origin: germline. Affected: yes. Observed: 1 variant allele.

Blueprint Genetics
Classification: Uncertain significance. Last evaluated: 2021-07-30. Review status: criteria provided, single submitter. Criteria: ACMG Guidelines, 2015. Collection method: clinical testing. Allele origin: germline.